The following is an entry in ClinVar:

NM_000090.4(COL3A1):c.863_864delinsTG (p.Gly288Val)

Gene: COL3A1 (collagen type III alpha 1 chain; plus strand). Cytogenetic location: 2q32.2.
Variant type: Indel.
Coding change: c.863_864delinsTG on transcript NM_000090.4 (MANE Select); coding-DNA positions 863 to 864, GT replaced by TG.
Protein change: p.Gly288Val; replaces glycine 288 with valine.
Molecular consequence: missense variant.
Genome position (GRCh38, 1-based): chr2:188,991,497-188,991,498, GT replaced by TG. VCF-style: chr2-188991497-GT-TG. GRCh37 (hg19) VCF-style: chr2-189856223-GT-TG.
Other names: short protein forms G288V.
Identifiers: ClinVar variation 4726428 (VCV004726428.1).

ClinVar aggregate classification (germline): Uncertain significance (1 of 4 stars; one submission).

Conditions:
Ehlers-Danlos syndrome, type 4 (EDSVASC). Also called: Ehlers-Danlos syndrome vascular type; Ehlers Danlos syndrome, ecchymotic type; Ehlers Danlos syndrome, arterial type; Ehlers Danlos syndrome, Sack-Barabas type; Ehlers-Danlos Syndrome Type IV. Identifiers: Orphanet 286, MedGen C0268338, MONDO:0017314, OMIM 130050.

Submission:

Labcorp Genetics (formerly Invitae), Labcorp
Classification: Uncertain significance for Ehlers-Danlos syndrome, type 4. Last evaluated: 2025-09-06. Review status: criteria provided, single submitter. Criteria: Invitae Variant Classification Sherloc (09022015). Collection method: clinical testing. Allele origin: germline.
Comment: This sequence change replaces glycine, which is neutral and non-polar, with valine, which is neutral and non-polar, at codon 288 of the COL3A1 protein (p.Gly288Val). Information on the frequency of this variant in the gnomAD database is not available, as this variant may be reported differently in the database. This variant has not been reported in the literature in individuals affected with COL3A1-related conditions. Experimental studies and prediction algorithms are not available or were not evaluated, and the functional significance of this variant is currently unknown. This variant disrupts the triple helix domain of COL3A1. Glycine residues within the Gly-Xaa-Yaa repeats of the triple helix domain are required for the structure and stability of fibrillar collagens (PMID: 7695699, 8218237, 19344236). In COL3A1, variants that affect these glycine residues are significantly enriched in individuals with disease (PMID: 24922459, 25758994) compared to the general population (ExAC). In summary, the available evidence is currently insufficient to determine the role of this variant in disease. Therefore, it has been classified as a Variant of Uncertain Significance.

Literature cited by the submitters: PubMed 7695699; PubMed 8218237; PubMed 19344236; PubMed 24922459; PubMed 25758994.